The following is an entry in ClinVar:

ClinVar aggregate classification (germline): Uncertain significance (1 of 4 stars; one submission).

Conditions:
Congenital myotonia, autosomal dominant form (THD). Also called: THOMSEN DISEASE; Myotonia congenita autosomal dominant. Identifiers: Orphanet 614, MedGen C2936781, MONDO:0008055, OMIM 160800.
Congenital myotonia, autosomal recessive form. Also called: Becker Generalized Myotonia; myotonia congenita, autosomal recessive; BECKER DISEASE. Identifiers: Orphanet 614, MedGen C0751360, MONDO:0009715, OMIM 255700.

gnomAD v4.1: 4 of 1,606,018 alleles (0.00025%); highest among the groups gnomAD compares: Non-Finnish European, 0.00025%; no homozygotes.

Submission:

Labcorp Genetics (formerly Invitae), Labcorp
Classification: Uncertain significance for Congenital myotonia, autosomal recessive form; Congenital myotonia, autosomal dominant form. Last evaluated: 2025-04-15. Review status: criteria provided, single submitter. Criteria: Invitae Variant Classification Sherloc (09022015). Collection method: clinical testing. Allele origin: germline.
Comment: This sequence change falls in intron 17 of the CLCN1 gene. It does not directly change the encoded amino acid sequence of the CLCN1 protein. It affects a nucleotide within the consensus splice site. This variant is present in population databases (rs764435230, gnomAD 0.001%). This variant has not been reported in the literature in individuals affected with CLCN1-related conditions. ClinVar contains an entry for this variant (Variation ID: 3763702). Variants that disrupt the consensus splice site are a relatively common cause of aberrant splicing (PMID: 17576681, 9536098). Algorithms developed to predict the effect of sequence changes on RNA splicing suggest that this variant is not likely to affect RNA splicing. In summary, the available evidence is currently insufficient to determine the role of this variant in disease. Therefore, it has been classified as a Variant of Uncertain Significance.

Literature cited by the submitters: PubMed 17576681; PubMed 9536098.

NM_000083.3(CLCN1):c.2172+6C>G

Gene: CLCN1 (chloride voltage-gated channel 1; plus strand). Cytogenetic location: 7q34.
Variant type: single nucleotide variant.
Coding change: c.2172+6C>G on transcript NM_000083.3 (MANE Select); 6 bases into the intron after coding-DNA position 2172, C replaced by G.
Molecular consequence: intron variant.
Genome position (GRCh38, 1-based): chr7:143,345,768, C>G. VCF-style: chr7-143345768-C-G. GRCh37 (hg19) VCF-style: chr7-143042861-C-G.
Identifiers: ClinVar variation 3763702 (VCV003763702.2).